The following is an entry in ClinVar:

ClinVar aggregate classification (germline): Likely pathogenic (1 of 4 stars; one submission).

Conditions:
Nemaline myopathy 2 (NEM2). Also called: Nemaline myopathy 2, autosomal recessive. Identifiers: MedGen C1850569, MONDO:0009725, OMIM 256030.

Submission:

Labcorp Genetics (formerly Invitae), Labcorp
Classification: Likely pathogenic for Nemaline myopathy 2. Last evaluated: 2023-01-05. Review status: criteria provided, single submitter. Criteria: Invitae Variant Classification Sherloc (09022015). Collection method: clinical testing. Allele origin: germline.
Comment: In summary, the currently available evidence indicates that the variant is pathogenic, but additional data are needed to prove that conclusively. Therefore, this variant has been classified as Likely Pathogenic. Algorithms developed to predict the effect of sequence changes on RNA splicing suggest that this variant may disrupt the consensus splice site. This variant has not been reported in the literature in individuals affected with NEB-related conditions. This variant is not present in population databases (gnomAD no frequency). This sequence change affects a donor splice site in intron 160 of the NEB gene. It is expected to disrupt RNA splicing. Variants that disrupt the donor or acceptor splice site typically lead to a loss of protein function (PMID: 16199547), and loss-of-function variants in NEB are known to be pathogenic (PMID: 25205138).

Literature cited by the submitters: PubMed 16199547; PubMed 25205138.

NM_001164508.2(NEB):c.23127+1G>A

Genes: NEB (nebulin; minus strand), RIF1 (replication timing regulatory factor 1; plus strand). Cytogenetic location: 2q23.3.
Variant type: single nucleotide variant.
Coding change: c.23127+1G>A on transcript NM_001164508.2 (MANE Select); the canonical splice donor site of the intron after coding-DNA position 23127, G replaced by A.
Molecular consequence: splice donor variant.
Genome position (GRCh38, 1-based): chr2:151,514,317, C>T on the plus strand (G>A on the coding strand, the complement: NEB is on the minus strand). VCF-style: chr2-151514317-C-T. GRCh37 (hg19) VCF-style: chr2-152370831-C-T.
Other names: c.18024+1G>A (NM_004543.5); c.23127+1G>A (NM_001164507.2); c.23232+1G>A (NM_001271208.2).
Identifiers: ClinVar variation 2143063 (VCV002143063.4), dbSNP rs112450383, ClinGen allele CA57618345.